The following is an entry in ClinVar:

ClinVar aggregate classification (germline): Likely benign. Review status: criteria provided, multiple submitters, no conflicts (2 of 4 stars). 2 submissions from 2 submitters: Likely benign (2). Last evaluated 2024-11-27.

Conditions:
Hypophosphatemic nephrolithiasis/osteoporosis 1. Identifiers: Orphanet 244305, MedGen C2676786, MONDO:0012850, OMIM 612286.

Allele frequency attached by ClinVar (database versions not stated): TOPMed 0.00001; ExAC 0.00005.
gnomAD v4.1: 29 of 1,613,712 alleles (0.0018%); highest among the groups gnomAD compares: South Asian, 0.0044%; no homozygotes.

Submissions (2):

Labcorp Genetics (formerly Invitae), Labcorp
Classification: Likely benign. Last evaluated: 2024-11-27. Review status: criteria provided, single submitter. Criteria: Invitae Variant Classification Sherloc (09022015). Collection method: clinical testing. Allele origin: germline.

Illumina Laboratory Services, Illumina
Classification: Likely benign for Hypophosphatemic nephrolithiasis/osteoporosis 1. Last evaluated: 2018-01-12. Review status: criteria provided, single submitter. Criteria: ICSL Variant Classification Criteria 13 December 2019. Collection method: clinical testing. Allele origin: germline.
Comment: This variant was observed in the ICSL laboratory as part of a predisposition screen in an ostensibly healthy population. It had not been previously curated by ICSL or reported in the Human Gene Mutation Database (HGMD: prior to June 1st, 2018), and was therefore a candidate for classification through an automated scoring system. Utilizing variant allele frequency, disease prevalence and penetrance estimates, and inheritance mode, an automated score was calculated to assess if this variant is too frequent to cause the disease. Based on the score and internal cut-off values, a variant classified as likely benign is not then subjected to further curation. The score for this variant resulted in a classification of likely benign for this disease.

NM_003052.5(SLC34A1):c.1174+9C>T

Gene: SLC34A1 (solute carrier family 34 member 1; plus strand). Cytogenetic location: 5q35.3.
Variant type: single nucleotide variant.
Coding change: c.1174+9C>T on transcript NM_003052.5 (MANE Select); 9 bases into the intron after coding-DNA position 1174, C replaced by T.
Molecular consequence: intron variant.
Genome position (GRCh38, 1-based): chr5:177,394,204, C>T. VCF-style: chr5-177394204-C-T. GRCh37 (hg19) VCF-style: chr5-176821205-C-T.
Identifiers: ClinVar variation 907704 (VCV000907704.6), dbSNP rs752762105, ClinGen allele CA3580670.